The following is an entry in ClinVar:

ClinVar aggregate classification (germline): Likely pathogenic (1 of 4 stars; one submission).

Conditions:
Hypertrophic cardiomyopathy 9. Also called: Familial hypertrophic cardiomyopathy 9. Identifiers: MedGen C1861065, MONDO:0013412, OMIM 613765.

Submission:

Medical Genetics Clinic, University of Catania
Classification: Likely pathogenic for Hypertrophic cardiomyopathy 9. Last evaluated: 2026-07-17. Review status: criteria provided, single submitter. Criteria: ACMG Guidelines, 2015. Collection method: clinical testing. Allele origin: unknown. Inheritance: Autosomal dominant inheritance. Affected: yes. Observed: 1 variant allele, 1 heterozygote.
Comment: The c.45878C>T variant in the TTN gene is located in the exon 247 of 363 and causes the substitution of a Alanine with a Valine at position 15293 (p.Ala15293Val). In silico predition tools suggest it may have a detrimental effect on the structure/activity of the protein (MutationTaster: disease causing, SIFT: uncertain). In the light of the above and the clinical features we observed the c.45878C>T variant in the TTN gene has been classified as a Likely pathogenic variant.

NM_001267550.2(TTN):c.45878C>T (p.Ala15293Val)

Gene: TTN (titin; minus strand). Cytogenetic location: 2q31.2.
Variant type: single nucleotide variant.
Coding change: c.45878C>T on transcript NM_001267550.2 (MANE Select); coding-DNA position 45878, C replaced by T.
Protein change: p.Ala15293Val; replaces alanine 15293 with valine.
Molecular consequence: missense variant.
Genome position (GRCh38, 1-based): chr2:178,620,732, G>A on the plus strand (C>T on the coding strand, the complement: TTN is on the minus strand). VCF-style: chr2-178620732-G-A. GRCh37 (hg19) VCF-style: chr2-179485459-G-A.
Other names: p.Ala15293Val; c.40955C>T, p.Ala13652Val (NM_001256850.1); c.18683C>T, p.Ala6228Val (NM_003319.4); c.38174C>T, p.Ala12725Val (NM_133378.4); c.19058C>T, p.Ala6353Val (NM_133432.3); c.19259C>T, p.Ala6420Val (NM_133437.4); short protein forms A12725V, A13652V, A15293V, A6228V, A6353V, A6420V.
Identifiers: ClinVar variation 4974963 (VCV004974963.1).